The following is an entry in ClinVar:

Conditions:
Long QT syndrome 5 (LQT5). Identifiers: Orphanet 101016, Orphanet 768, MedGen C1867904, MONDO:0013372, OMIM 613695.

Submission:

Roden Lab, Vanderbilt University Medical Center
No classification provided (evidence only). Condition: Long QT syndrome 5. Review status: no classification provided. Collection method: in vitro. Allele origin: not applicable. Functional consequence: Effect on ion channel function.
ClinVar note: "not provided" was previously submitted as the classification for the variant. However, the classification appeared to be based only on an observation of functional data so it was converted to no classification on 2025-07-30.

NM_000219.6(KCNE1):c.267G>C (p.Glu89Asp)

Gene: KCNE1 (potassium voltage-gated channel subfamily E regulatory subunit 1; minus strand). Cytogenetic location: 21q22.12.
Variant type: single nucleotide variant.
Coding change: c.267G>C on transcript NM_000219.6 (MANE Select); coding-DNA position 267, G replaced by C.
Protein change: p.Glu89Asp; replaces glutamic acid 89 with aspartic acid.
Molecular consequence: missense variant.
Genome position (GRCh38, 1-based): chr21:34,449,368, C>G on the plus strand (G>C on the coding strand, the complement: KCNE1 is on the minus strand). VCF-style: chr21-34449368-C-G. GRCh37 (hg19) VCF-style: chr21-35821666-C-G.
Other names: c.267G>C, p.Glu89Asp (NM_001127668.4, NM_001127669.4, NM_001127670.4 and 4 more transcripts); short protein forms E89D.
Identifiers: ClinVar variation 3374484 (VCV003374484.2).